The following is an entry in ClinVar:

ClinVar aggregate classification (germline): Uncertain significance (1 of 4 stars; one submission).

Conditions:
Tumor predisposition syndrome 3 (TPDS3). Also called: Melanoma, cutaneous malignant, susceptibility to, 10; Glioma susceptibility 9; LONG TELOMERE SYNDROME, POT1-RELATED; POT1 Tumor Predisposition. Identifiers: Orphanet 618, MedGen C4014476, MONDO:0014368, OMIM 615848.

Allele frequency attached by ClinVar (database versions not stated): gnomAD exomes below 0.00001.
gnomAD v4.1: 1 of 1,608,936 alleles (0.000062%); highest among the groups gnomAD compares: Non-Finnish European, 0.000085%; no homozygotes.

Submission:

Labcorp Genetics (formerly Invitae), Labcorp
Classification: Uncertain significance for Tumor predisposition syndrome 3. Last evaluated: 2025-06-22. Review status: criteria provided, single submitter. Criteria: Invitae Variant Classification Sherloc (09022015). Collection method: clinical testing. Allele origin: germline.
Comment: This sequence change replaces lysine, which is basic and polar, with methionine, which is neutral and non-polar, at codon 290 of the POT1 protein (p.Lys290Met). This variant is not present in population databases (gnomAD no frequency). This variant has not been reported in the literature in individuals affected with POT1-related conditions. ClinVar contains an entry for this variant (Variation ID: 957442). An algorithm developed to predict the effect of missense changes on protein structure and function (PolyPhen-2) suggests that this variant is likely to be tolerated. In summary, the available evidence is currently insufficient to determine the role of this variant in disease. Therefore, it has been classified as a Variant of Uncertain Significance.

NM_015450.3(POT1):c.869A>T (p.Lys290Met)

Gene: POT1 (protection of telomeres 1; minus strand). Cytogenetic location: 7q31.33.
Variant type: single nucleotide variant.
Coding change: c.869A>T on transcript NM_015450.3 (MANE Select); coding-DNA position 869, A replaced by T.
Protein change: p.Lys290Met; replaces lysine 290 with methionine.
Molecular consequence: missense variant. On other transcripts: non-coding transcript variant (3).
Genome position (GRCh38, 1-based): chr7:124,852,972, T>A on the plus strand (A>T on the coding strand, the complement: POT1 is on the minus strand). VCF-style: chr7-124852972-T-A. GRCh37 (hg19) VCF-style: chr7-124493026-T-A.
Other names: c.476A>T, p.Lys159Met (NM_001042594.2); short protein forms K290M, K159M.
Identifiers: ClinVar variation 957442 (VCV000957442.10), dbSNP rs1795349533, ClinGen allele CA369054731.